The following is an entry in ClinVar:

ClinVar aggregate classification (germline): Benign/Likely benign. Review status: criteria provided, multiple submitters, no conflicts (2 of 4 stars). 7 submissions from 7 submitters: Benign (1); Likely benign (6). Last evaluated 2026-01-18.

Conditions:
Hereditary cancer-predisposing syndrome. Also called: Neoplastic Syndromes, Hereditary; Hereditary neoplastic syndrome; Tumor predisposition; Hereditary Cancer Syndrome. Identifiers: Orphanet 140162, MedGen C0027672, MeSH D009386, MONDO:0015356.
Hereditary nonpolyposis colorectal neoplasms. Identifiers: MedGen C0009405, MeSH D003123.
Lynch syndrome 4 (LYNCH4). Also called: Hereditary non-polyposis colorectal cancer, type 4; Colorectal cancer, hereditary nonpolyposis, type 4. Identifiers: Orphanet 144, MedGen C1838333, MONDO:0013699, OMIM 614337. Disease mechanism: loss of function.

Allele frequency attached by ClinVar (database versions not stated): TOPMed below 0.00001; gnomAD 0.00001; gnomAD exomes 0.00001; ExAC 0.00003.
gnomAD v4.1: 5 of 1,517,180 alleles (0.00033%); highest among the groups gnomAD compares: Non-Finnish European, 0.00036%; no homozygotes.

Submissions (7):

Labcorp Genetics (formerly Invitae), Labcorp
Classification: Likely benign for Hereditary nonpolyposis colorectal neoplasms. Last evaluated: 2026-01-18. Review status: criteria provided, single submitter. Criteria: Invitae Variant Classification Sherloc (09022015). Collection method: clinical testing. Allele origin: germline.

Mayo Clinic Laboratories, Mayo Clinic
Classification: Likely benign. Last evaluated: 2025-06-05. Review status: criteria provided, single submitter. Criteria: ACMG Guidelines, 2015. Collection method: clinical testing. Allele origin: germline. Observed: 1 variant allele.
Comment: BP4, BP7

Myriad Genetics, Inc.
Classification: Benign for Lynch syndrome 4. Last evaluated: 2025-02-03. Review status: criteria provided, single submitter. Criteria: Myriad Autosomal Dominant, Autosomal Recessive and X-Linked Classification Criteria (2023). Collection method: clinical testing. Allele origin: unknown.
Comment: This variant is considered benign. This variant is a silent/synonymous amino acid change and it is not expected to impact splicing.

Color Diagnostics, LLC DBA Color Health
Classification: Likely benign for Hereditary cancer-predisposing syndrome. Last evaluated: 2021-12-13. Review status: criteria provided, single submitter. Criteria: ACMG Guidelines, 2015. Collection method: clinical testing. Allele origin: germline.

GeneDx
Classification: Likely benign. Last evaluated: 2020-07-23. Review status: criteria provided, single submitter. Criteria: GeneDx Variant Classification Process June 2021. Collection method: clinical testing. Allele origin: germline. Affected: yes.

Women's Health and Genetics/Laboratory Corporation of America, LabCorp
Classification: Likely benign. Last evaluated: 2019-09-03. Review status: criteria provided, single submitter. Criteria: LabCorp Variant Classification Summary - May 2015. Collection method: clinical testing. Allele origin: germline.

Ambry Genetics
Classification: Likely benign for Hereditary cancer-predisposing syndrome. Last evaluated: 2016-03-10. Review status: criteria provided, single submitter. Criteria: Ambry Variant Classification Scheme 2023. Collection method: clinical testing. Allele origin: germline.

NM_000535.7(PMS2):c.2013G>A (p.Thr671=)

Gene: PMS2 (PMS1 homolog 2, mismatch repair system component; minus strand). Cytogenetic location: 7p22.1.
Variant type: single nucleotide variant.
Coding change: c.2013G>A on transcript NM_000535.7 (MANE Select); coding-DNA position 2013, G replaced by A.
Protein change: p.Thr671=; no amino-acid change (threonine 671 retained).
Molecular consequence: synonymous variant. On other transcripts: non-coding transcript variant (1).
Genome position (GRCh38, 1-based): chr7:5,982,985, C>T on the plus strand (G>A on the coding strand, the complement: PMS2 is on the minus strand). VCF-style: chr7-5982985-C-T. GRCh37 (hg19) VCF-style: chr7-6022616-C-T.
Other names: p.Thr671=; c.1608G>A, p.Thr536= (NM_001322003.2, NM_001322004.2, NM_001322005.2 and 1 more transcripts); c.1857G>A, p.Thr619= (NM_001322006.2); c.1695G>A, p.Thr565= (NM_001322007.2, NM_001322008.2); c.1452G>A, p.Thr484= (NM_001322010.2); c.1080G>A, p.Thr360= (NM_001322011.2, NM_001322012.2); c.1440G>A, p.Thr480= (NM_001322013.2); c.2013G>A, p.Thr671= (NM_001322014.2); and 1 more.
Identifiers: ClinVar variation 237899 (VCV000237899.21), dbSNP rs771513870, ClinGen allele CA046436.